The following is an entry in ClinVar:

ClinVar aggregate classification (germline): Uncertain significance (1 of 4 stars; one submission).

Submission:

Women's Health and Genetics/Laboratory Corporation of America, LabCorp
Classification: Uncertain significance. Last evaluated: 2025-04-22. Review status: criteria provided, single submitter. Criteria: LabCorp Variant Classification Summary - May 2015. Collection method: clinical testing. Allele origin: germline.
Comment: Variant summary: ACSF3 c.634G>T (p.Val212Leu) results in a conservative amino acid change located in the AMP-dependent synthetase/ligase domain (IPR000873) of the encoded protein sequence. Four of five in-silico tools predict a damaging effect of the variant on protein function. The variant was absent in 214508 control chromosomes. The available data on variant occurrences in the general population are insufficient to allow any conclusion about variant significance. To our knowledge, no occurrence of c.634G>T in individuals affected with Combined Malonic And Methylmalonic Aciduria and no experimental evidence demonstrating its impact on protein function have been reported. No submitters have cited clinical-significance assessments for this variant to ClinVar. Based on the evidence outlined above, the variant was classified as uncertain significance.

NM_001243279.3(ACSF3):c.634G>T (p.Val212Leu)

Gene: ACSF3 (acyl-CoA synthetase family member 3; plus strand). Cytogenetic location: 16q24.3.
Variant type: single nucleotide variant.
Coding change: c.634G>T on transcript NM_001243279.3 (MANE Select); coding-DNA position 634, G replaced by T.
Protein change: p.Val212Leu; replaces valine 212 with leucine.
Molecular consequence: missense variant. On other transcripts: non-coding transcript variant (3), intron variant (1).
Genome position (GRCh38, 1-based): chr16:89,101,315, G>T. VCF-style: chr16-89101315-G-T. GRCh37 (hg19) VCF-style: chr16-89167723-G-T.
Other names: c.634G>T, p.Val212Leu (NM_001127214.4, NM_174917.5); c.-129-1289G>T (NM_001284316.2); short protein forms V212L.
Identifiers: ClinVar variation 3896130 (VCV003896130.2).